The following is an entry in ClinVar:

ClinVar aggregate classification (germline): Uncertain significance (1 of 4 stars; one submission).

Conditions:
Perlman syndrome (PRLMNS). Identifiers: Orphanet 2849, MedGen C0796113, MONDO:0009965, OMIM 267000.

Submission:

Labcorp Genetics (formerly Invitae), Labcorp
Classification: Uncertain significance for Perlman syndrome. Last evaluated: 2021-05-01. Review status: criteria provided, single submitter. Criteria: Invitae Variant Classification Sherloc (09022015). Collection method: clinical testing. Allele origin: germline.
Comment: This sequence change replaces serine with cysteine at codon 636 of the DIS3L2 protein (p.Ser636Cys). The serine residue is highly conserved and there is a moderate physicochemical difference between serine and cysteine. This variant is not present in population databases (ExAC no frequency). This variant has not been reported in the literature in individuals with DIS3L2-related conditions. In summary, the available evidence is currently insufficient to determine the role of this variant in disease. Therefore, it has been classified as a Variant of Uncertain Significance. Algorithms developed to predict the effect of missense changes on protein structure and function (SIFT, PolyPhen-2, Align-GVGD) all suggest that this variant is likely to be disruptive, but these predictions have not been confirmed by published functional studies and their clinical significance is uncertain.

NM_152383.5(DIS3L2):c.1907C>G (p.Ser636Cys)

Gene: DIS3L2 (DIS3 like 3'-5' exoribonuclease 2; plus strand). Cytogenetic location: 2q37.1.
Variant type: single nucleotide variant.
Coding change: c.1907C>G on transcript NM_152383.5 (MANE Select); coding-DNA position 1907, C replaced by G.
Protein change: p.Ser636Cys; replaces serine 636 with cysteine.
Molecular consequence: missense variant. On other transcripts: non-coding transcript variant (2), intron variant (1).
Genome position (GRCh38, 1-based): chr2:232,329,980, C>G. VCF-style: chr2-232329980-C-G. GRCh37 (hg19) VCF-style: chr2-233194690-C-G.
Other names: c.1582-13365C>G (NM_001257281.2); short protein forms S636C.
Identifiers: ClinVar variation 1364972 (VCV001364972.8), dbSNP rs1575023446, ClinGen allele CA350976281.